The following is an entry in ClinVar:

ClinVar aggregate classification (germline): Benign (1 of 4 stars; one submission).

Allele frequency attached by ClinVar (database versions not stated): gnomAD 0.00151; TOPMed 0.00176; 1000 Genomes Project 0.00240; 1000 Genomes Project 30x 0.00250.
gnomAD v4.1: 228 of 152,260 alleles (0.15%); highest among the groups gnomAD compares: African/African-American, 0.53%; no homozygotes.

Submission:

CeGaT Center for Human Genetics Tuebingen
Classification: Benign. Last evaluated: 2023-07-01. Review status: criteria provided, single submitter. Criteria: CeGaT Center For Human Genetics Tuebingen Variant Classification Criteria Version 2. Collection method: clinical testing. Allele origin: germline. Affected: yes. Observed: 2 variant alleles.
Comment: AGO2: BS1, BS2

NM_012154.5(AGO2):c.22+12075G>C

Gene: AGO2 (argonaute RISC catalytic component 2; minus strand). Cytogenetic location: 8q24.3.
Variant type: single nucleotide variant.
Coding change: c.22+12075G>C on transcript NM_012154.5 (MANE Select); 12075 bases into the intron after coding-DNA position 22, G replaced by C.
Molecular consequence: intron variant.
Genome position (GRCh38, 1-based): chr8:140,623,410, C>G on the plus strand (G>C on the coding strand, the complement: AGO2 is on the minus strand). VCF-style: chr8-140623410-C-G. GRCh37 (hg19) VCF-style: chr8-141633509-C-G.
Other names: c.22+12075G>C (NM_001164623.3).
Identifiers: ClinVar variation 2658868 (VCV002658868.24), dbSNP rs182781159, ClinGen allele CA186542856.